The following is an entry in ClinVar:

NM_004429.5(EFNB1):c.877G>A (p.Gly293Ser)

Gene: EFNB1 (ephrin B1; plus strand). Cytogenetic location: Xq13.1.
Variant type: single nucleotide variant.
Coding change: c.877G>A on transcript NM_004429.5 (MANE Select); coding-DNA position 877, G replaced by A.
Protein change: p.Gly293Ser; replaces glycine 293 with serine.
Molecular consequence: missense variant.
Genome position (GRCh38, 1-based): chrX:68,840,490, G>A. VCF-style: chrX-68840490-G-A. GRCh37 (hg19) VCF-style: chrX-68060333-G-A.
Other names: short protein forms G293S.
Identifiers: ClinVar variation 4992351 (VCV004992351.1).

ClinVar aggregate classification (germline): Uncertain significance (1 of 4 stars; one submission).

Conditions:
EFNB1-related disorder. Also called: EFNB1-related condition.

Submission:

PreventionGenetics, part of Exact Sciences
Classification: Uncertain significance for EFNB1-related condition. Last evaluated: 2025-08-29. Review status: criteria provided, single submitter. Criteria: ACMG Guidelines, 2015. Collection method: clinical testing. Allele origin: germline.
Comment: The EFNB1 c.877G>A variant is predicted to result in the amino acid substitution p.Gly293Ser. To our knowledge, this variant has not been reported in the literature or in a large population database (gnomAD), indicating this variant is rare. At this time, the clinical significance of this variant is uncertain due to the absence of conclusive functional and genetic evidence.